The following is an entry in ClinVar:

NM_001372.4(DNAH9):c.9203G>A (p.Arg3068Gln)

Gene: DNAH9 (dynein axonemal heavy chain 9; plus strand). Cytogenetic location: 17p12.
Variant type: single nucleotide variant.
Coding change: c.9203G>A on transcript NM_001372.4 (MANE Select); coding-DNA position 9203, G replaced by A.
Protein change: p.Arg3068Gln; replaces arginine 3068 with glutamine.
Molecular consequence: missense variant.
Genome position (GRCh38, 1-based): chr17:11,822,991, G>A. VCF-style: chr17-11822991-G-A. GRCh37 (hg19) VCF-style: chr17-11726308-G-A.
Other names: short protein forms R3068Q.
Identifiers: ClinVar variation 4885980 (VCV004885980.2).

ClinVar aggregate classification (germline): Uncertain significance (1 of 4 stars; one submission).

gnomAD v4.1: 17 of 1,613,984 alleles (0.0011%); highest among the groups gnomAD compares: Middle Eastern, 0.016%; no homozygotes.

Submission:

Dasa
Classification: Uncertain significance. Last evaluated: 2026-03-31. Review status: criteria provided, single submitter. Criteria: DASA Assertion Criteria. Collection method: clinical testing. Allele origin: germline.
Comment: NM_001372.4(DNAH9):c.9203G>A (p.Arg3068Gln) is a missense variant that results in the substitution of arginine with glutamine. This variant is rare in population databases. Computational prediction algorithms are consistent with a deleterious effect. The currently available literature and clinical evidence are not sufficient to establish a definitive association between this variant and the reported condition. Therefore, this variant is classified as a variant of uncertain significance.